The following is an entry in ClinVar:

ClinVar aggregate classification (germline): Likely pathogenic (1 of 4 stars; one submission).

Submission:

GeneDx
Classification: Likely pathogenic. Last evaluated: 2016-07-12. Review status: criteria provided, single submitter. Criteria: GeneDx Variant Classification (06012015). Collection method: clinical testing. Allele origin: germline. Affected: yes.
Comment: The C99S variant has not been published as a pathogenic variant, nor has it been reported as a benign variant to our knowledge. It was not observed in approximately 6,400 individuals of European and African American ancestry in the NHLBI Exome Sequencing Project, indicating it is not a common benign variant in these populations. The C99S variant is a non-conservative amino acid substitution, which is likely to impact secondary protein structure as these residues differ in polarity, charge, size and/or other properties. This substitution occurs at a position that is conserved across species, and in silico analysis predicts the C99S variant is probably damaging to the protein structure/function. However, missense variants in nearby residues have not been reported in the Human Gene Mutation Database in association with PCDH19-related disorders (Stenson et al., 2014). Therefore, this variant is likely pathogenic; however, the possibility that it is benign cannot be excluded.

NM_001184880.2(PCDH19):c.295T>A (p.Cys99Ser)

Gene: PCDH19 (protocadherin 19; minus strand). Cytogenetic location: Xq22.1.
Variant type: single nucleotide variant.
Coding change: c.295T>A on transcript NM_001184880.2 (MANE Select); coding-DNA position 295, T replaced by A.
Protein change: p.Cys99Ser; replaces cysteine 99 with serine.
Molecular consequence: missense variant.
Genome position (GRCh38, 1-based): chrX:100,408,303, A>T on the plus strand (T>A on the coding strand, the complement: PCDH19 is on the minus strand). VCF-style: chrX-100408303-A-T. GRCh37 (hg19) VCF-style: chrX-99663301-A-T.
Other names: c.295T>A, p.Cys99Ser (NM_001105243.2, NM_020766.3); short protein forms C99S.
Identifiers: ClinVar variation 421597 (VCV000421597.2), dbSNP rs1064795237, ClinGen allele CA16621150.